The following is an entry in ClinVar:

ClinVar aggregate classification (germline): Uncertain significance (1 of 4 stars; one submission).

Conditions:
Neurofibromatosis, type 1 (NF1). Also called: NEUROFIBROMATOSIS, TYPE I, SOMATIC; Peripheral type neurofibromatosis; VON RECKLINGHAUSEN DISEASE; Neurofibromatosis, type I. Identifiers: Orphanet 636, MedGen C0027831, MONDO:0018975, OMIM 162200. Disease mechanism: loss of function.

Submission:

Labcorp Genetics (formerly Invitae), Labcorp
Classification: Uncertain significance for Neurofibromatosis, type 1. Last evaluated: 2022-11-10. Review status: criteria provided, single submitter. Criteria: Invitae Variant Classification Sherloc (09022015). Collection method: clinical testing. Allele origin: germline.
Comment: Advanced modeling of protein sequence and biophysical properties (such as structural, functional, and spatial information, amino acid conservation, physicochemical variation, residue mobility, and thermodynamic stability) has been performed at Invitae for this missense variant, however the output from this modeling did not meet the statistical confidence thresholds required to predict the impact of this variant on NF1 protein function. In summary, the available evidence is currently insufficient to determine the role of this variant in disease. Therefore, it has been classified as a Variant of Uncertain Significance. This variant has not been reported in the literature in individuals affected with NF1-related conditions. This variant is not present in population databases (gnomAD no frequency). This sequence change replaces proline, which is neutral and non-polar, with histidine, which is basic and polar, at codon 1412 of the NF1 protein (p.Pro1412His).

NM_001042492.3(NF1):c.4298C>A (p.Pro1433His)

Gene: NF1 (neurofibromin 1; plus strand). Cytogenetic location: 17q11.2.
Variant type: single nucleotide variant.
Coding change: c.4298C>A on transcript NM_001042492.3 (MANE Select); coding-DNA position 4298, C replaced by A.
Protein change: p.Pro1433His; replaces proline 1433 with histidine.
Molecular consequence: missense variant.
Genome position (GRCh38, 1-based): chr17:31,258,468, C>A. VCF-style: chr17-31258468-C-A. GRCh37 (hg19) VCF-style: chr17-29585486-C-A.
Other names: c.4235C>A, p.Pro1412His (NM_000267.4); short protein forms P1412H, P1433H.
Identifiers: ClinVar variation 2810673 (VCV002810673.3), dbSNP rs1310048288, ClinGen allele CA398998061.